The following is an entry in ClinVar:

ClinVar aggregate classification (germline): Benign/Likely benign. Review status: criteria provided, multiple submitters, no conflicts (2 of 4 stars). 3 submissions from 3 submitters: Benign (1); Likely benign (2). Last evaluated 2026-04-14.

Conditions:
Hereditary cancer-predisposing syndrome. Also called: Hereditary Cancer Syndrome; Neoplastic Syndromes, Hereditary; Hereditary neoplastic syndrome; Tumor predisposition. Identifiers: Orphanet 140162, MedGen C0027672, MeSH D009386, MONDO:0015356.
DICER1-related tumor predisposition. Also called: DICER1-related pleuropulmonary blastoma cancer predisposition syndrome; DICER1 syndrome. Identifiers: Orphanet 284343, MedGen C3839822, MONDO:0100216.

Allele frequency attached by ClinVar (database versions not stated): gnomAD 0.00001; TOPMed 0.00002.

Submissions (3):

Myriad Genetics, Inc.
Classification: Benign for DICER1-related tumor predisposition. Last evaluated: 2026-04-14. Review status: criteria provided, single submitter. Criteria: Myriad Autosomal Dominant, Autosomal Recessive and X-Linked Classification Criteria (2023). Collection method: clinical testing. Allele origin: unknown.
Comment: This variant is considered benign. This variant is a silent/synonymous amino acid change and it is not expected to impact splicing.

Labcorp Genetics (formerly Invitae), Labcorp
Classification: Likely benign for DICER1-related tumor predisposition. Last evaluated: 2025-10-14. Review status: criteria provided, single submitter. Criteria: Invitae Variant Classification Sherloc (09022015). Collection method: clinical testing. Allele origin: germline.

Ambry Genetics
Classification: Likely benign for Hereditary cancer-predisposing syndrome. Last evaluated: 2017-03-17. Review status: criteria provided, single submitter. Criteria: Ambry Variant Classification Scheme 2023. Collection method: clinical testing. Allele origin: germline.

NM_177438.3(DICER1):c.99A>G (p.Gln33=)

Gene: DICER1 (dicer 1, ribonuclease III; minus strand). Cytogenetic location: 14q32.13.
Variant type: single nucleotide variant.
Coding change: c.99A>G on transcript NM_177438.3 (MANE Select); coding-DNA position 99, A replaced by G.
Protein change: p.Gln33=; no amino-acid change (glutamine 33 retained).
Molecular consequence: synonymous variant.
Genome position (GRCh38, 1-based): chr14:95,133,360, T>C on the plus strand (A>G on the coding strand, the complement: DICER1 is on the minus strand). VCF-style: chr14-95133360-T-C. GRCh37 (hg19) VCF-style: chr14-95599697-T-C.
Other names: c.99A>G, p.Gln33= (NM_001195573.1, NM_001271282.3, NM_001291628.2 and 1 more transcripts).
Identifiers: ClinVar variation 412189 (VCV000412189.19), dbSNP rs773456851, ClinGen allele CA16614314.